The following is an entry in ClinVar:

ClinVar aggregate classification (germline): Conflicting classifications of pathogenicity. Review status: criteria provided, conflicting classifications (1 of 4 stars). 3 submissions from 3 submitters: Uncertain significance (1); Likely benign (1). 1 of the submissions does not count toward it. Last evaluated 2023-12-03.

Conditions:
Maturity-onset diabetes of the young (MODY). Also called: Maturity onset diabetes mellitus in young. Identifiers: Orphanet 552, MedGen C0342276, MONDO:0018911, HP:0004904.
Permanent neonatal diabetes mellitus (PNDM). Identifiers: Orphanet 99885, MedGen C1833104, MONDO:0100164, MONDO:0011643. Disease mechanism: gain of function.

Allele frequency attached by ClinVar (database versions not stated): TOPMed below 0.00001; gnomAD 0.00001; gnomAD exomes 0.00001 and 0.00002; ExAC 0.00002.

Submissions (3):

Labcorp Genetics (formerly Invitae), Labcorp
Classification: Likely benign. Last evaluated: 2023-12-03. Review status: criteria provided, single submitter. Criteria: Invitae Variant Classification Sherloc (09022015). Collection method: clinical testing. Allele origin: germline.

Clinical Genomics, Uppaluri K&H Personalized Medicine Clinic
Classification: Uncertain significance for Maturity-onset diabetes of the young. Review status: criteria provided, single submitter. Criteria: K&H Uppaluri Personalized Medicine Clinic Variant Classification & Assertion Criteria. Collection method: research. Allele origin: somatic. Inheritance: Autosomal dominant inheritance.
Comment: Mutations in KCNJ11 gene can cause decreased production and secretion of insulin. This can lead to MODY which may be responsive to oral sulfonylureas. It is also associated with Neonatal Diabetes. However, no sufficient evidence is found to ascertain the role of rs759487287 variant in MODY yet.

Natera, Inc.
Classification: Uncertain significance for Permanent neonatal diabetes mellitus. Last evaluated: 2020-11-01. Review status: no assertion criteria provided. Collection method: clinical testing. Allele origin: germline. Not counted in ClinVar's aggregate classification.

Literature cited by the submitters: PubMed 26448950 (cited by Clinical Genomics, Uppaluri K&H Personalized Medicine Clinic); PubMed 15580558 (cited by Clinical Genomics, Uppaluri K&H Personalized Medicine Clinic); PubMed 15718250 (cited by Clinical Genomics, Uppaluri K&H Personalized Medicine Clinic); PubMed 32935446 (cited by Clinical Genomics, Uppaluri K&H Personalized Medicine Clinic); PubMed 22701567 (cited by Clinical Genomics, Uppaluri K&H Personalized Medicine Clinic).

NM_000525.4(KCNJ11):c.636C>T (p.Ser212=)

Gene: KCNJ11 (potassium inwardly rectifying channel subfamily J member 11; minus strand). Cytogenetic location: 11p15.1.
Variant type: single nucleotide variant.
Coding change: c.636C>T on transcript NM_000525.4 (MANE Select); coding-DNA position 636, C replaced by T.
Protein change: p.Ser212=; no amino-acid change (serine 212 retained).
Molecular consequence: synonymous variant.
Genome position (GRCh38, 1-based): chr11:17,387,456, G>A on the plus strand (C>T on the coding strand, the complement: KCNJ11 is on the minus strand). VCF-style: chr11-17387456-G-A. GRCh37 (hg19) VCF-style: chr11-17409003-G-A.
Other names: c.375C>T, p.Ser125= (NM_001166290.2, NM_001377296.1, NM_001377297.1).
Identifiers: ClinVar variation 992028 (VCV000992028.10), dbSNP rs759487287, ClinGen allele CA5902271.
Genomic context (GRCh38, chr11:17,387,456, plus strand): 5'-GGGCACCACCTCGCCCTCGGGGCTGGTGGTCTTGCGTACCACCTGCATGTGGATGGTGGC[G>A]CTGATGATCATGCTCTTGCGGAGGTCACCCACACGTAGCATGAAGCAGAGGCGGCCGTGG-3'
Protein context (NP_000516.3, residues 202-222): VGDLRKSMII[Ser212=]ATIHMQVVRK